The following is an entry in ClinVar:

NM_002693.3(POLG):c.2249T>G (p.Phe750Cys)

Gene: POLG (DNA polymerase gamma, catalytic subunit; minus strand). Cytogenetic location: 15q26.1.
Variant type: single nucleotide variant.
Coding change: c.2249T>G on transcript NM_002693.3 (MANE Select); coding-DNA position 2249, T replaced by G.
Protein change: p.Phe750Cys; replaces phenylalanine 750 with cysteine.
Molecular consequence: missense variant.
Genome position (GRCh38, 1-based): chr15:89,323,420, A>C on the plus strand (T>G on the coding strand, the complement: POLG is on the minus strand). VCF-style: chr15-89323420-A-C. GRCh37 (hg19) VCF-style: chr15-89866651-A-C.
Other names: c.2249T>G, p.Phe750Cys (NM_001126131.2); short protein forms F750C.
Identifiers: ClinVar variation 4885865 (VCV004885865.2).

ClinVar aggregate classification (germline): Uncertain significance (1 of 4 stars; one submission).

Submission:

Dasa
Classification: Uncertain significance. Last evaluated: 2026-02-26. Review status: criteria provided, single submitter. Criteria: DASA Assertion Criteria. Collection method: clinical testing. Allele origin: germline.
Comment: NM_002693.3(POLG):c.2249T>G (p.Phe750Cys) is a missense variant that results in the substitution of phenylalanine with cysteine. This variant has been observed in affected individuals with POLG-related disorders. Also, this variant is absent from population databases. Computational prediction algorithms are consistent with a deleterious effect. The currently available literature and clinical evidence are not sufficient to establish a definitive association between this variant and the reported condition. Therefore, this variant is classified as a variant of uncertain significance.